The following is an entry in ClinVar:

ClinVar aggregate classification (germline): Uncertain significance. Review status: criteria provided, multiple submitters, no conflicts (2 of 4 stars). 2 submissions from 2 submitters: Uncertain significance (2). Last evaluated 2025-07-25.

Conditions:
Charcot-Marie-Tooth disease dominant intermediate C (CMTDIC). Also called: CHARCOT-MARIE-TOOTH NEUROPATHY, DOMINANT INTERMEDIATE C. Identifiers: Orphanet 100045, MedGen C1842237, MONDO:0012012, OMIM 608323.

gnomAD v4.1: 12 of 1,614,004 alleles (0.00074%); highest among the groups gnomAD compares: Non-Finnish European, 0.001%; no homozygotes.

Submissions (2):

Labcorp Genetics (formerly Invitae), Labcorp
Classification: Uncertain significance for Charcot-Marie-Tooth disease dominant intermediate C. Last evaluated: 2025-07-25. Review status: criteria provided, single submitter. Criteria: Invitae Variant Classification Sherloc (09022015). Collection method: clinical testing. Allele origin: germline.
Comment: This sequence change replaces threonine, which is neutral and polar, with lysine, which is basic and polar, at codon 70 of the YARS protein (p.Thr70Lys). This variant is not present in population databases (gnomAD no frequency). This variant has not been reported in the literature in individuals affected with YARS-related conditions. Invitae Evidence Modeling of protein sequence and biophysical properties (such as structural, functional, and spatial information, amino acid conservation, physicochemical variation, residue mobility, and thermodynamic stability) indicates that this missense variant is not expected to disrupt YARS protein function with a negative predictive value of 80%. In summary, the available evidence is currently insufficient to determine the role of this variant in disease. Therefore, it has been classified as a Variant of Uncertain Significance.

Blueprint Genetics
Classification: Uncertain significance. Last evaluated: 2024-08-27. Review status: criteria provided, single submitter. Criteria: ACMG Guidelines, 2015. Collection method: clinical testing. Allele origin: germline.

NM_003680.4(YARS1):c.209C>A (p.Thr70Lys)

Gene: YARS1 (tyrosyl-tRNA synthetase 1; minus strand). Cytogenetic location: 1p35.1.
Variant type: single nucleotide variant.
Coding change: c.209C>A on transcript NM_003680.4 (MANE Select); coding-DNA position 209, C replaced by A.
Protein change: p.Thr70Lys; replaces threonine 70 with lysine.
Molecular consequence: missense variant.
Genome position (GRCh38, 1-based): chr1:32,810,762, G>T on the plus strand (C>A on the coding strand, the complement: YARS1 is on the minus strand). VCF-style: chr1-32810762-G-T. GRCh37 (hg19) VCF-style: chr1-33276363-G-T.
Other names: short protein forms T70K.
Identifiers: ClinVar variation 4717249 (VCV004717249.2).